The following is an entry in ClinVar:

NM_000051.4(ATM):c.3735_3742dup (p.Tyr1248fs)

Gene: ATM (ATM serine/threonine kinase; plus strand). Cytogenetic location: 11q22.3.
Variant type: Duplication.
Coding change: c.3735_3742dup on transcript NM_000051.4 (MANE Select); coding-DNA positions 3735 to 3742, 8 bases duplicated (GGATTTCT; older notation c.3735_3742dupGGATTTCT).
Protein change: p.Tyr1248fs; shifts the reading frame from tyrosine 1248.
Molecular consequence: frameshift variant.
Genome position (GRCh38, 1-based): chr11:108,282,868-108,282,875, GGATTTCT duplicated. VCF-style (leftmost placement, unchanged base first): chr11-108282867-A-AGGATTTCT. GRCh37 (hg19) VCF-style: chr11-108153594-A-AGGATTTCT.
Other names: c.3735_3742dup, p.Tyr1248fs (NM_001351834.2); short protein forms Y1248fs.
Identifiers: ClinVar variation 2824407 (VCV002824407.3), dbSNP rs2546880595, ClinGen allele CA2739270911.
Genomic context (GRCh38, chr11:108,282,867, plus strand): 5'-AAGATACTGAATACAACTTATCTTCTTTTCCTTTTATTTTATTAAACTACACAAATATTG[A>AGGATTTCT]GGATTTCTATAGGTAAGTTTATACATGACATATGTGAAATTTGTTTAATTTAAAATTAGT-3'

ClinVar aggregate classification (germline): Pathogenic (1 of 4 stars; one submission).

Conditions:
Ataxia-telangiectasia syndrome (AT). Also called: ATAXIA-TELANGIECTASIA, COMPLEMENTATION GROUP A; Ataxia telangiectasia (A-T); Cerebello-oculocutaneous telangiectasia; Immunodeficiency with ataxia telangiectasia; LOUIS-BAR SYNDROME; ATAXIA-TELANGIECTASIA, FRESNO VARIANT. Identifiers: Orphanet 100, MedGen C0004135, MONDO:0008840, OMIM 208900.

Submission:

Labcorp Genetics (formerly Invitae), Labcorp
Classification: Pathogenic for Ataxia-telangiectasia syndrome. Last evaluated: 2022-12-26. Review status: criteria provided, single submitter. Criteria: Invitae Variant Classification Sherloc (09022015). Collection method: clinical testing. Allele origin: germline.
Comment: For these reasons, this variant has been classified as Pathogenic. This premature translational stop signal has been observed in individual(s) with ataxia telangiectasia (PMID: 23807571). This variant is not present in population databases (gnomAD no frequency). This sequence change creates a premature translational stop signal (p.Tyr1248Trpfs*11) in the ATM gene. It is expected to result in an absent or disrupted protein product. Loss-of-function variants in ATM are known to be pathogenic (PMID: 23807571, 25614872).

Literature cited by the submitters: PubMed 23807571; PubMed 25614872.